The following is an entry in ClinVar:

NM_004364.5(CEBPA):c.62G>A (p.Ser21Asn)

Gene: CEBPA (CCAAT enhancer binding protein alpha; minus strand). Cytogenetic location: 19q13.11.
Variant type: single nucleotide variant.
Coding change: c.62G>A on transcript NM_004364.5 (MANE Select); coding-DNA position 62, G replaced by A.
Protein change: p.Ser21Asn; replaces serine 21 with asparagine.
Molecular consequence: missense variant. On other transcripts: 5 prime UTR variant (1).
Genome position (GRCh38, 1-based): chr19:33,302,353, C>T on the plus strand (G>A on the coding strand, the complement: CEBPA is on the minus strand). VCF-style: chr19-33302353-C-T. GRCh37 (hg19) VCF-style: chr19-33793259-C-T.
Other names: c.-296G>A (NM_001285829.2); c.167G>A, p.Ser56Asn (NM_001287424.2); c.20G>A, p.Ser7Asn (NM_001287435.2); short protein forms S56N, S21N, S7N.
Identifiers: ClinVar variation 2911843 (VCV002911843.3), dbSNP rs890855027, ClinGen allele CA405275755.
Genomic context (GRCh38, chr19:33,302,353, plus strand): 5'-TGCGCGGGGCCCGCGCCCCGGGGAAAGCCGAAGGCGGCGCTGCTGGGCGCGTGCGGGGGG[C>T]TCTGCAGGTGGCTGCTCATCGGGGGCCGCGGCTCCGCCTCGTAGAAGTCGGCCGACTCCA-3'
Protein context (NP_004355.2, residues 11-31): PRPPMSSHLQ[Ser21Asn]PPHAPSSAAF

ClinVar aggregate classification (germline): Uncertain significance (1 of 4 stars; one submission).

Conditions:
Acute myeloid leukemia (AML). Also called: Acute myeloid leukemia, adult; AML adult; Acute non-lymphocytic leukemia; Acute granulocytic leukemia; Leukemia, acute myeloid, somatic; Leukemia, acute myelogenous, somatic. Identifiers: Orphanet 519, MedGen C0023467, MeSH D015470, MONDO:0018874, OMIM 601626, HP:0004808. Disease mechanism: Constitutively activated FLT3.

Allele frequency attached by ClinVar (database versions not stated): gnomAD exomes below 0.00001.

Submission:

Labcorp Genetics (formerly Invitae), Labcorp
Classification: Uncertain significance for Acute myeloid leukemia. Last evaluated: 2023-02-11. Review status: criteria provided, single submitter. Criteria: Invitae Variant Classification Sherloc (09022015). Collection method: clinical testing. Allele origin: germline.
Comment: This sequence change replaces serine, which is neutral and polar, with asparagine, which is neutral and polar, at codon 21 of the CEBPA protein (p.Ser21Asn). This variant is not present in population databases (gnomAD no frequency). In summary, the available evidence is currently insufficient to determine the role of this variant in disease. Therefore, it has been classified as a Variant of Uncertain Significance. Advanced modeling of protein sequence and biophysical properties (such as structural, functional, and spatial information, amino acid conservation, physicochemical variation, residue mobility, and thermodynamic stability) performed at Invitae indicates that this missense variant is not expected to disrupt CEBPA protein function. This variant has not been reported in the literature in individuals affected with CEBPA-related conditions.